The following is an entry in ClinVar:

NM_000540.3(RYR1):c.3299G>A (p.Arg1100His)

Gene: RYR1 (ryanodine receptor 1; plus strand). Cytogenetic location: 19q13.2.
Variant type: single nucleotide variant.
Coding change: c.3299G>A on transcript NM_000540.3 (MANE Select); coding-DNA position 3299, G replaced by A.
Protein change: p.Arg1100His; replaces arginine 1100 with histidine.
Molecular consequence: missense variant.
Genome position (GRCh38, 1-based): chr19:38,467,730, G>A. VCF-style: chr19-38467730-G-A. GRCh37 (hg19) VCF-style: chr19-38958370-G-A.
Other names: c.3299G>A, p.Arg1100His (NM_001042723.2); short protein forms R1100H.
Identifiers: ClinVar variation 329008 (VCV000329008.14), dbSNP rs755973279, ClinGen allele CA064655.

ClinVar aggregate classification (germline): Uncertain significance. Review status: criteria provided, multiple submitters, no conflicts (2 of 4 stars). 5 submissions from 5 submitters: Uncertain significance (5). Last evaluated 2024-09-23.

Conditions:
RYR1-related disorder. Also called: RYR1-related condition; RYR1-related disorders. Identifiers: MedGen CN239331.
Inborn genetic diseases. Identifiers: MedGen C0950123, MeSH D030342.
Malignant hyperthermia, susceptibility to, 1 (MHS1). Also called: Anesthesia related hyperthermia; Malignant hyperpyrexia; Fulminating hyperpyrexia; Pharmacogenic myopathy; RYR1-Related Malignant Hyperthermia Susceptibility; Malignant hyperthermia suceptibility 1. Identifiers: Orphanet 423, MedGen C2930980, MONDO:0007783, OMIM 145600.

Allele frequency attached by ClinVar (database versions not stated): ExAC 0.00001; gnomAD 0.00001; gnomAD exomes 0.00002 and 0.00003; TOPMed 0.00002.
gnomAD v4.1: 41 of 1,614,110 alleles (0.0025%); highest among the groups gnomAD compares: South Asian, 0.0033%; no homozygotes.

Submissions (5):

All of Us Research Program, National Institutes of Health
Classification: Uncertain significance for Malignant hyperthermia, susceptibility to, 1. Last evaluated: 2024-09-23. Review status: criteria provided, single submitter. Criteria: ACMG Guidelines, 2015. Collection method: clinical testing. Allele origin: germline. Inheritance: Autosomal dominant inheritance. Observed: 4 variant alleles, 4 heterozygotes.
Comment: This missense variant replaces arginine with histidine at codon 1100 of the RYR1 protein. Computational prediction suggests that this variant may have deleterious impact on protein structure and function (internally defined REVEL score threshold >= 0.7, PMID: 27666373). To our knowledge, functional studies have not been reported for this variant. This variant has not been reported in individuals affected with malignant hyperthermia in the literature. This variant has been identified in 4/251426 chromosomes in the general population by the Genome Aggregation Database (gnomAD). The available evidence is insufficient to determine the role of this variant in disease conclusively. Therefore, this variant is classified as a Variant of Uncertain Significance.

This study involves interpretation of variants in research participants for the purpose of population health screening. Participant phenotype was not available at the time of variant classification. Additional details can be found in publication PMID: 35346344, PMCID: PMC8962531

Color Diagnostics, LLC DBA Color Health
Classification: Uncertain significance for Malignant hyperthermia, susceptibility to, 1. Last evaluated: 2024-02-15. Review status: criteria provided, single submitter. Criteria: ACMG Guidelines, 2015. Collection method: clinical testing. Allele origin: germline.
Comment: This missense variant replaces arginine with histidine at codon 1100 of the RYR1 protein. Computational prediction suggests that this variant may have deleterious impact on protein structure and function. To our knowledge, functional studies have not been reported for this variant. This variant has not been reported in individuals affected with malignant hyperthermia in the literature. This variant has been identified in 4/251426 chromosomes in the general population by the Genome Aggregation Database (gnomAD). The available evidence is insufficient to determine the role of this variant in disease conclusively. Therefore, this variant is classified as a Variant of Uncertain Significance.

Ambry Genetics
Classification: Uncertain significance for Inborn genetic diseases. Last evaluated: 2022-06-24. Review status: criteria provided, single submitter. Criteria: Ambry Variant Classification Scheme 2023. Collection method: clinical testing. Allele origin: germline.

Labcorp Genetics (formerly Invitae), Labcorp
Classification: Uncertain significance for RYR1-related disorder. Last evaluated: 2022-02-09. Review status: criteria provided, single submitter. Criteria: Invitae Variant Classification Sherloc (09022015). Collection method: clinical testing. Allele origin: germline.
Comment: This sequence change replaces arginine, which is basic and polar, with histidine, which is basic and polar, at codon 1100 of the RYR1 protein (p.Arg1100His). This variant is present in population databases (rs755973279, gnomAD 0.01%). This variant has not been reported in the literature in individuals affected with RYR1-related conditions. ClinVar contains an entry for this variant (Variation ID: 329008). Algorithms developed to predict the effect of missense changes on protein structure and function are either unavailable or do not agree on the potential impact of this missense change (SIFT: "Deleterious"; PolyPhen-2: "Probably Damaging"; Align-GVGD: "Class C0"). In summary, the available evidence is currently insufficient to determine the role of this variant in disease. Therefore, it has been classified as a Variant of Uncertain Significance.

GeneDx
Classification: Uncertain significance. Last evaluated: 2019-09-18. Review status: criteria provided, single submitter. Criteria: GeneDx Variant Classification Process June 2021. Collection method: clinical testing. Allele origin: germline. Affected: yes.
Comment: Has not been previously published as pathogenic or benign to our knowledge; Not observed at a significant frequency in large population cohorts (Lek et al., 2016); In silico analysis, which includes protein predictors and evolutionary conservation, supports a deleterious effect; In-silico analysis, which includes splice predictors and evolutionary conservation, is inconclusive as to whether the variant alters gene splicing. In the absence of RNA/functional studies, the actual effect of this sequence change is unknown.